The following is an entry in ClinVar:

ClinVar aggregate classification (germline): Uncertain significance (1 of 4 stars; one submission).

gnomAD v4.1: 1 of 1,592,062 alleles (0.000063%); highest among the groups gnomAD compares: South Asian, 0.0011%; no homozygotes.

Submission:

Labcorp Genetics (formerly Invitae), Labcorp
Classification: Uncertain significance. Last evaluated: 2025-04-04. Review status: criteria provided, single submitter. Criteria: Invitae Variant Classification Sherloc (09022015). Collection method: clinical testing. Allele origin: germline.
Comment: This sequence change falls in intron 6 of the IFT88 gene. It does not directly change the encoded amino acid sequence of the IFT88 protein. The frequency data for this variant in the population databases is considered unreliable, as metrics indicate poor data quality at this position in the gnomAD database. This variant has not been reported in the literature in individuals affected with IFT88-related conditions. ClinVar contains an entry for this variant (Variation ID: 3652690). Algorithms developed to predict the effect of sequence changes on RNA splicing suggest that this variant may disrupt the consensus splice site. In summary, the available evidence is currently insufficient to determine the role of this variant in disease. Therefore, it has been classified as a Variant of Uncertain Significance.

NM_006531.5(IFT88):c.211-12T>C

Gene: IFT88 (intraflagellar transport 88; plus strand). Cytogenetic location: 13q12.11.
Variant type: single nucleotide variant.
Coding change: c.211-12T>C on transcript NM_006531.5 (MANE Select); 12 bases into the intron before coding-DNA position 211, T replaced by C.
Molecular consequence: intron variant.
Genome position (GRCh38, 1-based): chr13:20,590,955, T>C. VCF-style: chr13-20590955-T-C. GRCh37 (hg19) VCF-style: chr13-21165094-T-C.
Other names: c.238-12T>C (NM_001318493.2, NM_175605.5, NM_001353570.2 and 6 more transcripts); c.211-12T>C (NM_001353568.2, NM_001353572.2, NM_001353571.2 and 1 more transcripts); c.-353-12T>C (NM_001353579.2); c.154-12T>C (NM_001353575.2, NM_001318491.2, NM_001353573.2 and 1 more transcripts).
Identifiers: ClinVar variation 3652690 (VCV003652690.2).